The following is an entry in ClinVar:

NM_002691.4(POLD1):c.1494+4C>G

Gene: POLD1 (DNA polymerase delta 1, catalytic subunit; plus strand). Cytogenetic location: 19q13.33.
Variant type: single nucleotide variant.
Coding change: c.1494+4C>G on transcript NM_002691.4 (MANE Select); 4 bases into the intron after coding-DNA position 1494, C replaced by G.
Molecular consequence: intron variant.
Genome position (GRCh38, 1-based): chr19:50,406,521, C>G. VCF-style: chr19-50406521-C-G. GRCh37 (hg19) VCF-style: chr19-50909778-C-G.
Other names: c.1494+4C>G (NM_001256849.1, NM_001308632.1).
Identifiers: ClinVar variation 819364 (VCV000819364.17), dbSNP rs1484829299, ClinGen allele CA633897362.

ClinVar aggregate classification (germline): Uncertain significance. Review status: criteria provided, multiple submitters, no conflicts (2 of 4 stars). 3 submissions from 3 submitters: Uncertain significance (2). 1 of the submissions does not count toward it. Last evaluated 2025-04-28.

Conditions:
POLD1-related disorder. Also called: POLD1-related disorders; POLD1-related condition.
Hereditary cancer-predisposing syndrome. Also called: Hereditary Cancer Syndrome; Hereditary neoplastic syndrome; Neoplastic Syndromes, Hereditary; Tumor predisposition. Identifiers: Orphanet 140162, MedGen C0027672, MeSH D009386, MONDO:0015356.
POLD1-related polyposis and colorectal cancer syndrome (CRCS10). Also called: Colorectal cancer, susceptibility to, 10; Colorectal cancer 10; COLORECTAL CANCER, SUSCEPTIBILITY TO, ON CHROMOSOME 19q. Identifiers: Orphanet 220460, MedGen C2675481, MONDO:0012953, OMIM 612591.

Allele frequency attached by ClinVar (database versions not stated): gnomAD exomes below 0.00001 and 0.00001.
gnomAD v4.1: 1 of 1,560,050 alleles (0.000064%); highest among the groups gnomAD compares: South Asian, 0.0012%; no homozygotes.

Submissions (3):

Ambry Genetics
Classification: Uncertain significance for Hereditary cancer-predisposing syndrome. Last evaluated: 2025-04-28. Review status: criteria provided, single submitter. Criteria: Ambry Variant Classification Scheme 2023. Collection method: clinical testing. Allele origin: germline.
Comment: The c.1494+4C>G intronic variant results from a C to G substitution 4 nucleotides after coding exon 11 in the POLD1 gene. This nucleotide position is well conserved in available vertebrate species. In silico splice site analysis predicts that this alteration will not have any significant effect on splicing. Based on the available evidence, the clinical significance of this variant remains unclear.

Labcorp Genetics (formerly Invitae), Labcorp
Classification: Uncertain significance for POLD1-related polyposis and colorectal cancer syndrome. Last evaluated: 2023-02-03. Review status: criteria provided, single submitter. Criteria: Invitae Variant Classification Sherloc (09022015). Collection method: clinical testing. Allele origin: germline.
Comment: This sequence change falls in intron 12 of the POLD1 gene. It does not directly change the encoded amino acid sequence of the POLD1 protein. It affects a nucleotide within the consensus splice site. The frequency data for this variant in the population databases is considered unreliable, as metrics indicate poor data quality at this position in the gnomAD database. This variant has not been reported in the literature in individuals affected with POLD1-related conditions. ClinVar contains an entry for this variant (Variation ID: 819364). Variants that disrupt the consensus splice site are a relatively common cause of aberrant splicing (PMID: 17576681, 9536098). Algorithms developed to predict the effect of sequence changes on RNA splicing suggest that this variant is not likely to affect RNA splicing. In summary, the available evidence is currently insufficient to determine the role of this variant in disease. Therefore, it has been classified as a Variant of Uncertain Significance.

PreventionGenetics, part of Exact Sciences
Classification: Likely benign for POLD1-related condition. Last evaluated: 2021-12-23. Review status: no assertion criteria provided. Collection method: clinical testing. Allele origin: germline. Not counted in ClinVar's aggregate classification.
Comment: This variant is classified as likely benign based on ACMG/AMP sequence variant interpretation guidelines (Richards et al. 2015 PMID: 25741868, with internal and published modifications).

Literature cited by the submitters: PubMed 17576681 (cited by Labcorp Genetics (formerly Invitae), Labcorp); PubMed 9536098 (cited by Labcorp Genetics (formerly Invitae), Labcorp).